The following is an entry in ClinVar:

NC_000005.10:g.178991560del

Gene: GRM6 (glutamate metabotropic receptor 6; minus strand). Cytogenetic location: 5q35.3.
Variant type: Deletion.
Genome position: GRCh38 VCF-style: chr5-178991553-AC-A. GRCh37 (hg19) VCF-style: chr5-178418554-AC-A.
Identifiers: ClinVar variation 1073427 (VCV001073427.11), dbSNP rs281865186, ClinGen allele CA3594358.

ClinVar aggregate classification (germline): Pathogenic. Review status: criteria provided, multiple submitters, no conflicts (2 of 4 stars). 2 submissions from 2 submitters: Pathogenic (2). Last evaluated 2026-01-01.

Submissions (2):

CeGaT Center for Human Genetics Tuebingen
Classification: Pathogenic. Last evaluated: 2026-01-01. Review status: criteria provided, single submitter. Criteria: CeGaT Center For Human Genetics Tuebingen Variant Classification Criteria Version 2. Collection method: clinical testing. Allele origin: germline. Affected: yes. Observed: 2 variant alleles.
Comment: GRM6: PVS1, PM2

Labcorp Genetics (formerly Invitae), Labcorp
Classification: Pathogenic. Last evaluated: 2024-02-24. Review status: criteria provided, single submitter. Criteria: Invitae Variant Classification Sherloc (09022015). Collection method: clinical testing. Allele origin: germline.
Comment: This sequence change creates a premature translational stop signal (p.Val243Serfs*21) in the GRM6 gene. It is expected to result in an absent or disrupted protein product. Loss-of-function variants in GRM6 are known to be pathogenic (PMID: 15781871, 16622103, 22008250). This variant is present in population databases (rs752625077, gnomAD 0.01%). This variant has not been reported in the literature in individuals affected with GRM6-related conditions. ClinVar contains an entry for this variant (Variation ID: 1073427). For these reasons, this variant has been classified as Pathogenic.

Literature cited by the submitters: PubMed 15781871 (cited by Labcorp Genetics (formerly Invitae), Labcorp); PubMed 16622103 (cited by Labcorp Genetics (formerly Invitae), Labcorp); PubMed 22008250 (cited by Labcorp Genetics (formerly Invitae), Labcorp).